The following is an entry in ClinVar:

ClinVar aggregate classification (germline): Uncertain significance (1 of 4 stars; one submission).

Submission:

Women's Health and Genetics/Laboratory Corporation of America, LabCorp
Classification: Uncertain significance. Last evaluated: 2025-06-26. Review status: criteria provided, single submitter. Criteria: LabCorp Variant Classification Summary - May 2015. Collection method: clinical testing. Allele origin: germline.
Comment: Variant summary: The variant involves the duplication of exons 1-7 in the ETHE1 gene. A presumed nomenclature of c.(?_-25)_(*132_?)dup has been designated for the purposes of this classification. This duplication includes the entire coding sequence of the gene. As exact breakpoints are unknown, it may extend beyond the annotated region of the gene, to include other flanking genes. The variant was absent in 21694 control chromosomes. The available data on variant occurrences in the general population are insufficient to allow any conclusion about variant significance. To our knowledge, no occurrence of c.(?_-25)_(*132_?)dup in individuals affected with Ethylmalonic Encephalopathy and no experimental evidence demonstrating its impact on protein function have been reported. No submitters have cited clinical-significance assessments for this variant to ClinVar. Based on the evidence outlined above, the variant was classified as uncertain significance.

NC_000019.9:g.(?_44010870)_(44031354_?)dup

Gene: ETHE1 (ETHE1 persulfide dioxygenase; minus strand). Cytogenetic location: 19q13.31.
Variant type: Duplication.
Identifiers: ClinVar variation 3907499 (VCV003907499.1).